The following is an entry in ClinVar:

NM_015354.3(NUP188):c.784G>A (p.Val262Ile)

Gene: NUP188 (nucleoporin 188; plus strand). Cytogenetic location: 9q34.11.
Variant type: single nucleotide variant.
Coding change: c.784G>A on transcript NM_015354.3 (MANE Select); coding-DNA position 784, G replaced by A.
Protein change: p.Val262Ile; replaces valine 262 with isoleucine.
Molecular consequence: missense variant.
Genome position (GRCh38, 1-based): chr9:128,968,704, G>A. VCF-style: chr9-128968704-G-A. GRCh37 (hg19) VCF-style: chr9-131730983-G-A.
Other names: c.784G>A (NM_015354.1); short protein forms V262I.
Identifiers: ClinVar variation 3041397 (VCV003041397.10), dbSNP rs140577118, ClinGen allele CA5272113.

ClinVar aggregate classification (germline): Likely benign. Review status: criteria provided, multiple submitters, no conflicts (2 of 4 stars). 3 submissions from 3 submitters: Likely benign (2). 1 of the submissions does not count toward it. Last evaluated 2026-07-01.

Conditions:
NUP188-related disorder. Also called: NUP188-related condition.
Inborn genetic diseases. Identifiers: MedGen C0950123, MeSH D030342.

Allele frequency attached by ClinVar (database versions not stated): 1000 Genomes Project 30x 0.00125; 1000 Genomes Project 0.00140; ESP Exome Variant Server 0.00031; gnomAD 0.00052; gnomAD exomes 0.00083; ExAC 0.00123; TOPMed 0.00029.

Submissions (3):

CeGaT Center for Human Genetics Tuebingen
Classification: Likely benign. Last evaluated: 2026-07-01. Review status: criteria provided, single submitter. Criteria: CeGaT Center For Human Genetics Tuebingen Variant Classification Criteria Version 2. Collection method: clinical testing. Allele origin: germline. Affected: yes. Observed: 2 variant alleles.
Comment: NUP188: BP4

Ambry Genetics
Classification: Likely benign for Inborn genetic diseases. Last evaluated: 2025-11-19. Review status: criteria provided, single submitter. Criteria: Ambry Variant Classification Scheme 2023. Collection method: clinical testing. Allele origin: germline.

PreventionGenetics, part of Exact Sciences
Classification: Likely benign for NUP188-related condition. Last evaluated: 2019-07-01. Review status: no assertion criteria provided. Collection method: clinical testing. Allele origin: germline. Not counted in ClinVar's aggregate classification.
Comment: This variant is classified as likely benign based on ACMG/AMP sequence variant interpretation guidelines (Richards et al. 2015 PMID: 25741868, with internal and published modifications).